The following is an entry in ClinVar:

ClinVar aggregate classification (germline): Uncertain significance (1 of 4 stars; one submission).

Submission:

GeneDx
Classification: Uncertain significance. Last evaluated: 2024-07-22. Review status: criteria provided, single submitter. Criteria: GeneDx Variant Classification Process June 2021. Collection method: clinical testing. Allele origin: germline. Affected: yes.
Comment: Not observed at significant frequency in large population cohorts (gnomAD); In silico analysis supports that this missense variant has a deleterious effect on protein structure/function; Has not been previously published as pathogenic or benign to our knowledge

NM_012281.3(KCND2):c.821A>G (p.Tyr274Cys)

Gene: KCND2 (potassium voltage-gated channel subfamily D member 2; plus strand). Cytogenetic location: 7q31.31.
Variant type: single nucleotide variant.
Coding change: c.821A>G on transcript NM_012281.3 (MANE Select); coding-DNA position 821, A replaced by G.
Protein change: p.Tyr274Cys; replaces tyrosine 274 with cysteine.
Molecular consequence: missense variant.
Genome position (GRCh38, 1-based): chr7:120,275,453, A>G. VCF-style: chr7-120275453-A-G. GRCh37 (hg19) VCF-style: chr7-119915507-A-G.
Other names: short protein forms Y274C.
Identifiers: ClinVar variation 3600871 (VCV003600871.1).